The following is an entry in ClinVar:

ClinVar aggregate classification (germline): Uncertain significance (1 of 4 stars; one submission).

Allele frequency attached by ClinVar (database versions not stated): gnomAD exomes below 0.00001; ExAC 0.00002; gnomAD 0.00002; TOPMed 0.00002; 1000 Genomes Project 30x 0.00016; 1000 Genomes Project 0.00020.
gnomAD v4.1: 7 of 1,614,228 alleles (0.00043%); highest among the groups gnomAD compares: African/African-American, 0.008%; no homozygotes.

Submission:

Labcorp Genetics (formerly Invitae), Labcorp
Classification: Uncertain significance. Last evaluated: 2025-01-23. Review status: criteria provided, single submitter. Criteria: Invitae Variant Classification Sherloc (09022015). Collection method: clinical testing. Allele origin: germline.
Comment: This sequence change replaces histidine, which is basic and polar, with arginine, which is basic and polar, at codon 628 of the NFKB1 protein (p.His628Arg). This variant is present in population databases (rs558097730, gnomAD 0.01%). This variant has not been reported in the literature in individuals affected with NFKB1-related conditions. ClinVar contains an entry for this variant (Variation ID: 1979235). Invitae Evidence Modeling of protein sequence and biophysical properties (such as structural, functional, and spatial information, amino acid conservation, physicochemical variation, residue mobility, and thermodynamic stability) indicates that this missense variant is not expected to disrupt NFKB1 protein function with a negative predictive value of 80%. In summary, the available evidence is currently insufficient to determine the role of this variant in disease. Therefore, it has been classified as a Variant of Uncertain Significance.

NM_003998.4(NFKB1):c.1883A>G (p.His628Arg)

Gene: NFKB1 (nuclear factor kappa B subunit 1; plus strand). Cytogenetic location: 4q24.
Variant type: single nucleotide variant.
Coding change: c.1883A>G on transcript NM_003998.4 (MANE Select); coding-DNA position 1883, A replaced by G.
Protein change: p.His628Arg; replaces histidine 628 with arginine.
Molecular consequence: missense variant.
Genome position (GRCh38, 1-based): chr4:102,606,626, A>G. VCF-style: chr4-102606626-A-G. GRCh37 (hg19) VCF-style: chr4-103527783-A-G.
Other names: c.1880A>G, p.His627Arg (NM_001165412.2, NM_001319226.2, NM_001382627.1); c.1883A>G, p.His628Arg (NM_001382625.1, NM_001382626.1); c.1841A>G, p.His614Arg (NM_001382628.1); short protein forms H628R, H614R, H627R.
Identifiers: ClinVar variation 1979235 (VCV001979235.4), dbSNP rs558097730, ClinGen allele CA3026271.
Genomic context (GRCh38, chr4:102,606,626, plus strand): 5'-ACCTGAGCCTTCTGGACCGCTTGGGTAACTCTGTTTTGCACCTAGCTGCCAAAGAAGGAC[A>G]TGATAAAGTTCTCAGTATCTTACTCAAGCACAAAAAGGCAGCACTACTTCTTGACCACCC-3'
Protein context (NP_003989.2, residues 618-638): SVLHLAAKEG[His628Arg]DKVLSILLKH